The following is an entry in ClinVar:

ClinVar aggregate classification (germline): Pathogenic/Likely pathogenic. Review status: criteria provided, multiple submitters, no conflicts (2 of 4 stars). 4 submissions from 4 submitters: Pathogenic (2); Likely pathogenic (1). 1 of the submissions does not count toward it. Last evaluated 2026-02-11.

Conditions:
Hereditary cancer-predisposing syndrome. Also called: Tumor predisposition; Hereditary neoplastic syndrome; Neoplastic Syndromes, Hereditary; Hereditary Cancer Syndrome. Identifiers: Orphanet 140162, MedGen C0027672, MeSH D009386, MONDO:0015356.
Retinoblastoma (RB1). Also called: RETINOBLASTOMA, SOMATIC. Identifiers: Orphanet 790, MedGen C0035335, MeSH D012175, MONDO:0008380, OMIM 180200, HP:0009919. Disease mechanism: loss of function. Inheritance: Both sporadic and heritable forms are tested..

Submissions (4):

St. Jude Molecular Pathology, St. Jude Children's Research Hospital
Classification: Pathogenic for Retinoblastoma. Last evaluated: 2026-02-11. Review status: criteria provided, single submitter. Criteria: St. Jude Assertion Criteria 2020. Collection method: clinical testing. Allele origin: germline.
Comment: The RB1 c.1049+1G>T intronic change results in a G to T substitution at the +1 position of intron 10 of the RB1 gene. This variant is predicted to result in aberrant splicing, resulting in nonsense-mediated decay or an abnormal protein product. This variant is also absent in gnomAD v2.1.1. In summary, th is variant meets criteria to be classified as pathogenic.

Genetic Diagnostic Laboratory, University of Pennsylvania School of Medicine
Classification: Pathogenic for Retinoblastoma. Last evaluated: 2024-05-20. Review status: criteria provided, single submitter. Criteria: ACMG Guidelines, 2015. Collection method: clinical testing. Allele origin: germline. Affected: yes. Observed: 2 variant alleles.
Comment: Case and Pedigree Information: BILATERAL CASES:2, UNILATERAL CASES:0, TOTAL CASES:2, PEDIGREES:2. ACMG Codes Applied:PVS1, PM2

Ambry Genetics
Classification: Likely pathogenic for Hereditary cancer-predisposing syndrome. Last evaluated: 2017-05-24. Review status: criteria provided, single submitter. Criteria: Ambry Variant Classification Scheme 2023. Collection method: clinical testing. Allele origin: germline.
Comment: The c.1049+1G>T intronic variant results from a G to T substitution one nucleotide after coding exon 10 of the RB1 gene. Alterations that disrupt the canonical splice site are expected to cause aberrant splicing, resulting in an abnormal protein or a transcript that is subject to nonsense-mediated mRNA decay. As such, this alteration is classified as likely pathogenic.

OMIM
Classification: Pathogenic for RETINOBLASTOMA, SOMATIC. Last evaluated: 1989-12-21. Review status: no assertion criteria provided. Collection method: literature only. Allele origin: somatic. Not counted in ClinVar's aggregate classification.

Literature cited by the submitters: PubMed 2594029 (cited by Ambry Genetics and OMIM).

NM_000321.3(RB1):c.1049+1G>T

Gene: RB1 (RB transcriptional corepressor 1; plus strand). Cytogenetic location: 13q14.2.
Variant type: single nucleotide variant.
Coding change: c.1049+1G>T on transcript NM_000321.3 (MANE Select); the canonical splice donor site of the intron after coding-DNA position 1049, G replaced by T.
Molecular consequence: splice donor variant.
Genome position (GRCh38, 1-based): chr13:48,367,604, G>T. VCF-style: chr13-48367604-G-T. GRCh37 (hg19) VCF-style: chr13-48941740-G-T.
Other names: IVS10, G-T, +1; c.1049+1G>T (NM_001407165.1, NM_001407166.1).
Identifiers: ClinVar variation 13075 (VCV000013075.5), dbSNP rs587776782, ClinGen allele CA026361.